The following is an entry in ClinVar:

ClinVar aggregate classification (germline): Likely benign (0 of 4 stars; one submission).

Conditions:
ADGRE2-related disorder. Also called: ADGRE2-related condition.

Allele frequency attached by ClinVar (database versions not stated): gnomAD 0.00001; ExAC 0.00002; gnomAD exomes 0.00002.
gnomAD v4.1: 25 of 1,614,182 alleles (0.0015%); highest among the groups gnomAD compares: Admixed American, 0.028%; no homozygotes.

Submission:

PreventionGenetics, part of Exact Sciences
Classification: Likely benign for ADGRE2-related condition. Last evaluated: 2022-08-22. Review status: no assertion criteria provided. Collection method: clinical testing. Allele origin: germline.
Comment: This variant is classified as likely benign based on ACMG/AMP sequence variant interpretation guidelines (Richards et al. 2015 PMID: 25741868, with internal and published modifications).

NM_013447.4(ADGRE2):c.782-8C>G

Gene: ADGRE2 (adhesion G protein-coupled receptor E2; minus strand). Cytogenetic location: 19p13.12.
Variant type: single nucleotide variant.
Coding change: c.782-8C>G on transcript NM_013447.4 (MANE Select); 8 bases into the intron before coding-DNA position 782, C replaced by G.
Molecular consequence: intron variant.
Genome position (GRCh38, 1-based): chr19:14,765,578, G>C on the plus strand (C>G on the coding strand, the complement: ADGRE2 is on the minus strand). VCF-style: chr19-14765578-G-C. GRCh37 (hg19) VCF-style: chr19-14876390-G-C.
Other names: c.503-8C>G (NM_152917.2); c.635-8C>G (NM_152916.2); c.782-8C>G (NM_001271052.1).
Identifiers: ClinVar variation 3029409 (VCV003029409.2), dbSNP rs768143818, ClinGen allele CA9257931.